The following is an entry in ClinVar:

NM_003072.5(SMARCA4):c.3514A>G (p.Ile1172Val)

Gene: SMARCA4 (SWI/SNF related BAF chromatin remodeling complex subunit ATPase 4; plus strand). Cytogenetic location: 19p13.2.
Variant type: single nucleotide variant.
Coding change: c.3514A>G on transcript NM_003072.5 (MANE Select); coding-DNA position 3514, A replaced by G.
Protein change: p.Ile1172Val; replaces isoleucine 1172 with valine.
Molecular consequence: missense variant. On other transcripts: non-coding transcript variant (1).
Genome position (GRCh38, 1-based): chr19:11,030,861, A>G. VCF-style: chr19-11030861-A-G. GRCh37 (hg19) VCF-style: chr19-11141537-A-G.
Other names: c.3514A>G, p.Ile1172Val (NM_001128844.3, NM_001128845.2, NM_001128846.2 and 6 more transcripts); c.3514A>G (NM_001128849.1); short protein forms I1172V.
Identifiers: ClinVar variation 2875904 (VCV002875904.4), dbSNP rs747875190, ClinGen allele CA9204436.
Genomic context (GRCh38, chr19:11,030,861, plus strand): 5'-TTCCTGCTCAGCACCCGGGCTGGGGGGCTCGGCCTGAACCTCCAGTCGGCAGACACTGTG[A>G]TCATTTTTGACAGCGACTGGAATCCTCACCAGGTAAAAGCGGGCCGGGCCCCAGGTCGAG-3'
Protein context (NP_003063.2, residues 1162-1182): GLNLQSADTV[Ile1172Val]IFDSDWNPHQ

ClinVar aggregate classification (germline): Uncertain significance. Review status: criteria provided, multiple submitters, no conflicts (2 of 4 stars). 2 submissions from 2 submitters: Uncertain significance (2). Last evaluated 2025-02-05.

Conditions:
Hereditary cancer-predisposing syndrome. Also called: Neoplastic Syndromes, Hereditary; Hereditary Cancer Syndrome; Hereditary neoplastic syndrome; Tumor predisposition. Identifiers: Orphanet 140162, MedGen C0027672, MeSH D009386, MONDO:0015356.
Rhabdoid tumor predisposition syndrome 2 (RTPS2). Identifiers: Orphanet 231108, Orphanet 69077, MedGen C2750074, MONDO:0013224, OMIM 613325.

Allele frequency attached by ClinVar (database versions not stated): gnomAD exomes below 0.00001; ExAC 0.00001.
gnomAD v4.1: 2 of 1,610,602 alleles (0.00012%); highest among the groups gnomAD compares: Admixed American, 0.0017%; no homozygotes.

Submissions (2):

Ambry Genetics
Classification: Uncertain significance for Hereditary cancer-predisposing syndrome. Last evaluated: 2025-02-05. Review status: criteria provided, single submitter. Criteria: Ambry Variant Classification Scheme 2023. Collection method: clinical testing. Allele origin: germline.
Comment: The p.I1172V variant (also known as c.3514A>G), located in coding exon 24 of the SMARCA4 gene, results from an A to G substitution at nucleotide position 3514. The isoleucine at codon 1172 is replaced by valine, an amino acid with highly similar properties. This amino acid position is conserved. In addition, this alteration is predicted to be tolerated by in silico analysis. Based on the available evidence, the clinical significance of this variant remains unclear.

Labcorp Genetics (formerly Invitae), Labcorp
Classification: Uncertain significance for Rhabdoid tumor predisposition syndrome 2. Last evaluated: 2023-04-27. Review status: criteria provided, single submitter. Criteria: Invitae Variant Classification Sherloc (09022015). Collection method: clinical testing. Allele origin: germline.
Comment: In summary, the available evidence is currently insufficient to determine the role of this variant in disease. Therefore, it has been classified as a Variant of Uncertain Significance. Advanced modeling of protein sequence and biophysical properties (such as structural, functional, and spatial information, amino acid conservation, physicochemical variation, residue mobility, and thermodynamic stability) performed at Invitae indicates that this missense variant is not expected to disrupt SMARCA4 protein function. This variant has not been reported in the literature in individuals affected with SMARCA4-related conditions. This variant is present in population databases (rs747875190, gnomAD 0.003%). This sequence change replaces isoleucine, which is neutral and non-polar, with valine, which is neutral and non-polar, at codon 1172 of the SMARCA4 protein (p.Ile1172Val).